The following is an entry in ClinVar:

NM_000500.9(CYP21A2):c.527T>C (p.Leu176Pro)

Genes: CYP21A2 (cytochrome P450 family 21 subfamily A member 2; plus strand), LOC106780800 (CYP21A2 recombination region; plus strand). Cytogenetic location: 6p21.33.
Variant type: single nucleotide variant.
Coding change: c.527T>C on transcript NM_000500.9 (MANE Select); coding-DNA position 527, T replaced by C.
Protein change: p.Leu176Pro; replaces leucine 176 with proline.
Molecular consequence: missense variant.
Genome position (GRCh38, 1-based): chr6:32,039,435, T>C. VCF-style: chr6-32039435-T-C. GRCh37 (hg19) VCF-style: chr6-32007212-T-C.
Other names: c.437T>C, p.Leu146Pro (NM_001128590.4); c.122T>C, p.Leu41Pro (NM_001368143.2, NM_001368144.2); short protein forms L176P, L146P, L41P.
Identifiers: ClinVar variation 426602 (VCV000426602.2), dbSNP rs779166970, ClinGen allele CA363503106.

ClinVar aggregate classification (germline): Uncertain significance (1 of 4 stars; one submission).

Submission:

GeneDx
Classification: Uncertain significance. Last evaluated: 2017-04-11. Review status: criteria provided, single submitter. Criteria: GeneDx Variant Classification (06012015). Collection method: clinical testing. Allele origin: germline. Affected: yes.
Comment: The L176P variant in the CYP21A2 gene has not been reported previously as a pathogenic variant, nor as a benign variant, to our knowledge. The L176P variant is not observed in large population cohorts (Lek et al., 2016; 1000 Genomes Consortium et al., 2015; Exome Variant Server). The L176P variant is a semi-conservative amino acid substitution, which may impact secondary protein structure as these residues differ in some properties. This substitution occurs at a position that is conserved across species, and in silico analysis predicts this variant is probably damaging to the protein structure/function. Missense variants in nearby residues (I172N, I173N, G179R, G179A) have been reported in the Human Gene Mutation Database in association with 21-hydroxylase deficiency (Stenson et al., 2014), supporting the functional importance of this region of the protein. We interpret L176P as a variant of uncertain significance.